The following is an entry in ClinVar:

ClinVar aggregate classification (germline): Benign/Likely benign. Review status: criteria provided, multiple submitters, no conflicts (2 of 4 stars). 2 submissions from 2 submitters: Benign (1); Likely benign (1). Last evaluated 2026-09-16.

Conditions:
Colorectal cancer, hereditary nonpolyposis, type 7. Identifiers: Orphanet 144, MedGen C1858380, MONDO:0013725, OMIM 614385.

Submissions (2):

Myriad Genetics, Inc.
Classification: Benign for Colorectal cancer, hereditary nonpolyposis, type 7. Last evaluated: 2026-09-16. Review status: criteria provided, single submitter. Criteria: Myriad Autosomal Dominant, Autosomal Recessive and X-Linked Classification Criteria (2023). Collection method: clinical testing. Allele origin: unknown.
Comment: This variant is considered benign. This variant is a silent/synonymous amino acid change and it is not expected to impact splicing.

Ambry Genetics
Classification: Likely benign. Last evaluated: 2024-04-17. Review status: criteria provided, single submitter. Criteria: Ambry Variant Classification Scheme 2023. Collection method: clinical testing. Allele origin: germline.

NM_001040108.2(MLH3):c.2184G>A (p.Arg728=)

Gene: MLH3 (mutL homolog 3; minus strand). Cytogenetic location: 14q24.3.
Variant type: single nucleotide variant.
Coding change: c.2184G>A on transcript NM_001040108.2 (MANE Select); coding-DNA position 2184, G replaced by A.
Protein change: p.Arg728=; no amino-acid change (arginine 728 retained).
Molecular consequence: synonymous variant.
Genome position (GRCh38, 1-based): chr14:75,047,472, C>T on the plus strand (G>A on the coding strand, the complement: MLH3 is on the minus strand). VCF-style: chr14-75047472-C-T. GRCh37 (hg19) VCF-style: chr14-75514175-C-T.
Other names: c.2184G>A, p.Arg728= (NM_014381.3).
Identifiers: ClinVar variation 3295110 (VCV003295110.2).